The following is an entry in ClinVar:

NM_017636.4(TRPM4):c.2210+6T>C

Gene: TRPM4 (transient receptor potential cation channel subfamily M member 4; plus strand). Cytogenetic location: 19q13.33.
Variant type: single nucleotide variant.
Coding change: c.2210+6T>C on transcript NM_017636.4 (MANE Select); 6 bases into the intron after coding-DNA position 2210, T replaced by C.
Molecular consequence: intron variant.
Genome position (GRCh38, 1-based): chr19:49,190,779, T>C. VCF-style: chr19-49190779-T-C. GRCh37 (hg19) VCF-style: chr19-49694036-T-C.
Other names: c.2210+6T>C (NM_001195227.2); c.602+6T>C (NM_001321282.2); c.1865+6T>C (NM_001321281.2); c.1688+6T>C (NM_001321283.2); c.1148+6T>C (NM_001321285.2).
Identifiers: ClinVar variation 1465261 (VCV001465261.6), dbSNP rs747674792, ClinGen allele CA9569477.

ClinVar aggregate classification (germline): Uncertain significance (1 of 4 stars; one submission).

Conditions:
Progressive familial heart block type IB (PFHB1B). Identifiers: Orphanet 871, MedGen C1970298, MONDO:0011474, OMIM 604559.

Allele frequency attached by ClinVar (database versions not stated): ExAC 0.00001; gnomAD exomes below 0.00001.
gnomAD v4.1: 2 of 1,613,890 alleles (0.00012%); highest among the groups gnomAD compares: Non-Finnish European, 0.00017%; no homozygotes.

Submission:

Labcorp Genetics (formerly Invitae), Labcorp
Classification: Uncertain significance for Progressive familial heart block type IB. Last evaluated: 2022-03-08. Review status: criteria provided, single submitter. Criteria: Invitae Variant Classification Sherloc (09022015). Collection method: clinical testing. Allele origin: germline.
Comment: In summary, the available evidence is currently insufficient to determine the role of this variant in disease. Therefore, it has been classified as a Variant of Uncertain Significance. Variants that disrupt the consensus splice site are a relatively common cause of aberrant splicing (PMID: 17576681, 9536098). Algorithms developed to predict the effect of sequence changes on RNA splicing suggest that this variant may disrupt the consensus splice site. This variant has not been reported in the literature in individuals affected with TRPM4-related conditions. This variant is present in population databases (rs747674792, gnomAD 0.0009%). This sequence change falls in intron 16 of the TRPM4 gene. It does not directly change the encoded amino acid sequence of the TRPM4 protein. It affects a nucleotide within the consensus splice site.

Literature cited by the submitters: PubMed 17576681; PubMed 9536098.